The following is an entry in ClinVar:

NM_001366110.1(PAX4):c.58C>T (p.Arg20Trp)

Gene: PAX4 (paired box 4; minus strand). Cytogenetic location: 7q32.1.
Variant type: single nucleotide variant.
Coding change: c.58C>T on transcript NM_001366110.1 (MANE Select); coding-DNA position 58, C replaced by T.
Protein change: p.Arg20Trp; replaces arginine 20 with tryptophan.
Molecular consequence: missense variant.
Genome position (GRCh38, 1-based): chr7:127,615,487, G>A on the plus strand (C>T on the coding strand, the complement: PAX4 is on the minus strand). VCF-style: chr7-127615487-G-A. GRCh37 (hg19) VCF-style: chr7-127255541-G-A.
Other names: c.58C>T, p.Arg20Trp (NM_001366111.1); short protein forms R20W.
Identifiers: ClinVar variation 3257681 (VCV003257681.17).

ClinVar aggregate classification (germline): Uncertain significance (1 of 4 stars; one submission).

gnomAD v4.1: 296 of 1,614,056 alleles (0.018%); highest among the groups gnomAD compares: South Asian, 0.024%; 1 homozygote.

Submission:

CeGaT Center for Human Genetics Tuebingen
Classification: Uncertain significance. Last evaluated: 2024-07-01. Review status: criteria provided, single submitter. Criteria: CeGaT Center For Human Genetics Tuebingen Variant Classification Criteria Version 2. Collection method: clinical testing. Allele origin: germline. Affected: yes. Observed: 1 variant allele.
Comment: PAX4: PM2:Supporting, PP3